The following is an entry in ClinVar:

ClinVar aggregate classification (germline): Likely benign (0 of 4 stars; one submission).

Conditions:
IFT172-related disorder. Also called: IFT172-related disorders; IFT172-related condition.

gnomAD v4.1: 1 of 1,470,298 alleles (0.000068%); highest among the groups gnomAD compares: Non-Finnish European, 0.000095%; no homozygotes.

Submission:

PreventionGenetics, part of Exact Sciences
Classification: Likely benign for IFT172-related condition. Last evaluated: 2023-04-03. Review status: no assertion criteria provided. Collection method: clinical testing. Allele origin: germline.
Comment: This variant is classified as likely benign based on ACMG/AMP sequence variant interpretation guidelines (Richards et al. 2015 PMID: 25741868, with internal and published modifications).

NM_015662.3(IFT172):c.296+7A>G

Gene: IFT172 (intraflagellar transport 172; minus strand). Cytogenetic location: 2p23.3.
Variant type: single nucleotide variant.
Coding change: c.296+7A>G on transcript NM_015662.3 (MANE Select); 7 bases into the intron after coding-DNA position 296, A replaced by G.
Molecular consequence: intron variant.
Genome position (GRCh38, 1-based): chr2:27,485,011, T>C on the plus strand (A>G on the coding strand, the complement: IFT172 is on the minus strand). VCF-style: chr2-27485011-T-C. GRCh37 (hg19) VCF-style: chr2-27707878-T-C.
Other names: c.296+7A>G (NM_001410739.1).
Identifiers: ClinVar variation 3356336 (VCV003356336.1).
Genomic context (GRCh38, chr2:27,485,011, plus strand): 5'-AGTGAGGCATTTCTCTTGCCTTCCCCTTCTTTCCTGGGCCATCCCATCTCCCAGTCTCTA[T>C]CCTCACCAATCTTCTCCAATCTTGTAGACATAGATGATGTTGTCAGTCTGTCCTATGGCA-3'